The following is an entry in ClinVar:

ClinVar aggregate classification (germline): Uncertain significance. Review status: criteria provided, multiple submitters, no conflicts (2 of 4 stars). 3 submissions from 3 submitters: Uncertain significance (3). Last evaluated 2025-09-24.

Conditions:
Marfan syndrome (MFS). Also called: FBN1-Related Marfan Syndrome; MARFAN SYNDROME, TYPE I; Marfan syndrome type 1; Marfan's syndrome; Marfan syndrome, classic. Identifiers: Orphanet 284963, Orphanet 558, MedGen C0024796, MONDO:0007947, OMIM 154700.
Familial thoracic aortic aneurysm and aortic dissection (TAAD). Also called: Thoracic aortic aneurysms and dissections. Identifiers: Orphanet 91387, MedGen C4707243, MONDO:0019625.

gnomAD v4.1: 5 of 1,613,948 alleles (0.00031%); highest among the groups gnomAD compares: South Asian, 0.0022%; no homozygotes.

Submissions (3):

Labcorp Genetics (formerly Invitae), Labcorp
Classification: Uncertain significance for Marfan syndrome; Familial thoracic aortic aneurysm and aortic dissection. Last evaluated: 2025-09-24. Review status: criteria provided, single submitter. Criteria: Invitae Variant Classification Sherloc (09022015). Collection method: clinical testing. Allele origin: germline.
Comment: This sequence change replaces arginine, which is basic and polar, with cysteine, which is neutral and slightly polar, at codon 457 of the FBN1 protein (p.Arg457Cys). This variant is not present in population databases (gnomAD no frequency). This missense change has been observed in individual(s) with clinical features of Marfan syndrome (internal data). ClinVar contains an entry for this variant (Variation ID: 1053670). Invitae Evidence Modeling of protein sequence and biophysical properties (such as structural, functional, and spatial information, amino acid conservation, physicochemical variation, residue mobility, and thermodynamic stability) indicates that this missense variant is expected to disrupt FBN1 protein function with a positive predictive value of 80%. In summary, the available evidence is currently insufficient to determine the role of this variant in disease. Therefore, it has been classified as a Variant of Uncertain Significance.

Clinical Genetics Laboratory, Skane University Hospital Lund
Classification: Uncertain significance. Last evaluated: 2024-01-23. Review status: criteria provided, single submitter. Criteria: ACMG Guidelines, 2015. Collection method: clinical testing. Allele origin: germline. Affected: yes.

All of Us Research Program, National Institutes of Health
Classification: Uncertain significance for Marfan syndrome. Last evaluated: 2023-10-23. Review status: criteria provided, single submitter. Criteria: ACMG Guidelines, 2015. Collection method: clinical testing. Allele origin: germline. Inheritance: Autosomal dominant inheritance. Observed: 1 variant allele, 1 heterozygote.
Comment: This missense variant replaces arginine with cysteine at codon 457 of the FBN1 protein. Computational prediction is inconclusive regarding the impact of this variant on protein structure and function (internally defined REVEL score threshold 0.5 < inconclusive < 0.7, PMID: 27666373). To our knowledge, functional studies have not been reported for this variant. This variant has not been reported in individuals affected with FBN1-related disorders in the literature. This variant has not been identified in the general population by the Genome Aggregation Database (gnomAD). The available evidence is insufficient to determine the role of this variant in disease conclusively. Therefore, this variant is classified as a Variant of Uncertain Significance.

This study involves interpretation of variants in research participants for the purpose of population health screening. Participant phenotype was not available at the time of variant classification. Additional details can be found in publication PMID: 35346344, PMCID: PMC8962531

NM_000138.5(FBN1):c.1369C>T (p.Arg457Cys)

Gene: FBN1 (fibrillin 1; minus strand). Cytogenetic location: 15q21.1.
Variant type: single nucleotide variant.
Coding change: c.1369C>T on transcript NM_000138.5 (MANE Select); coding-DNA position 1369, C replaced by T.
Protein change: p.Arg457Cys; replaces arginine 457 with cysteine.
Molecular consequence: missense variant.
Genome position (GRCh38, 1-based): chr15:48,515,486, G>A on the plus strand (C>T on the coding strand, the complement: FBN1 is on the minus strand). VCF-style: chr15-48515486-G-A. GRCh37 (hg19) VCF-style: chr15-48807683-G-A.
Other names: short protein forms R457C.
Identifiers: ClinVar variation 1053670 (VCV001053670.11), dbSNP rs2141330047, ClinGen allele CA392343908.
Genomic context (GRCh38, chr15:48,515,486, plus strand): 5'-TGCACTCACACCGGTAACTCCCAGGAGTTGGAATGCAGCGTCCATTTTGACAGAGATAGC[G>A]GACCAACTGGCAGTAATCAGTAACGTTTACTGGCAGCACCCCTAGAAGAACATTAAGCCC-3'
Protein context (NP_000129.3, residues 447-467): VNVTDYCQLV[Arg457Cys]YLCQNGRCIP